The following is an entry in ClinVar:

ClinVar aggregate classification (germline): Conflicting classifications of pathogenicity. Review status: criteria provided, conflicting classifications (1 of 4 stars). 5 submissions from 4 submitters: Uncertain significance (1); Benign (1); Likely benign (3). Last evaluated 2026-08-01.

Conditions:
Mitochondrial complex IV deficiency, nuclear type 1 (MC4DN1). Also called: Mitochondrial complex IV deficiency; Complex 4 mitochondrial respiratory chain deficiency; Deficiency of mitochondrial respiratory chain complex4; Complex IV deficiency; COX DEFICIENCY. Identifiers: MedGen C5435656, MONDO:0700250, OMIM 220110. Disease mechanism: loss of function.
Leigh syndrome (NULS). Also called: Leigh's syndrome; Leigh Disease; Subacute necrotizing encephalopathy; Necrotizing encephalopathy infantile subacute of Leigh; LEIGH SYNDROME, NUCLEAR; Leigh's necrotizing encephalopathy. Identifiers: Orphanet 506, MedGen C2931891, MONDO:0009723, OMIM 256000.

Allele frequency attached by ClinVar (database versions not stated): ESP Exome Variant Server 0.00008; gnomAD 0.00049 and 0.00054; gnomAD exomes 0.00245; ExAC 0.00246; 1000 Genomes Project 30x 0.00500; 1000 Genomes Project 0.00559.

Submissions (5):

CeGaT Center for Human Genetics Tuebingen
Classification: Likely benign. Last evaluated: 2026-08-01. Review status: criteria provided, single submitter. Criteria: CeGaT Center For Human Genetics Tuebingen Variant Classification Criteria Version 2. Collection method: clinical testing. Allele origin: germline. Affected: yes. Observed: 6 variant alleles.
Comment: COX10: BP4, BP7

Blueprint Genetics
Classification: Likely benign. Last evaluated: 2024-10-07. Review status: criteria provided, single submitter. Criteria: ACMG Guidelines, 2015. Collection method: clinical testing. Allele origin: germline.

Illumina Laboratory Services, Illumina
Classification: Uncertain significance for Mitochondrial complex IV deficiency, nuclear type 1. Last evaluated: 2018-01-12. Review status: criteria provided, single submitter. Criteria: ICSL Variant Classification Criteria 13 December 2019. Collection method: clinical testing. Allele origin: germline.

Illumina Laboratory Services, Illumina
Classification: Likely benign for Leigh syndrome. Last evaluated: 2018-01-12. Review status: criteria provided, single submitter. Criteria: ICSL Variant Classification Criteria 13 December 2019. Collection method: clinical testing. Allele origin: germline.
Comment: This variant was observed in the ICSL laboratory as part of a predisposition screen in an ostensibly healthy population. It had not been previously curated by ICSL or reported in the Human Gene Mutation Database (HGMD: prior to June 1st, 2018), and was therefore a candidate for classification through an automated scoring system. Utilizing variant allele frequency, disease prevalence and penetrance estimates, and inheritance mode, an automated score was calculated to assess if this variant is too frequent to cause the disease. Based on the score and internal cut-off values, a variant classified as likely benign is not then subjected to further curation. The score for this variant resulted in a classification of likely benign for this disease.

GeneDx
Classification: Benign. Last evaluated: 2015-03-03. Review status: criteria provided, single submitter. Criteria: GeneDx Variant Classification Process June 2021. Collection method: clinical testing. Allele origin: germline. Affected: yes.

NM_001303.4(COX10):c.909C>T (p.Ala303=)

Genes: COX10 (cytochrome c oxidase assembly factor heme A:farnesyltransferase COX10; plus strand), LOC105943586 (distal CMT1A-REP; plus strand). Cytogenetic location: 17p12.
Variant type: single nucleotide variant.
Coding change: c.909C>T on transcript NM_001303.4 (MANE Select); coding-DNA position 909, C replaced by T.
Protein change: p.Ala303=; no amino-acid change (alanine 303 retained).
Molecular consequence: synonymous variant.
Genome position (GRCh38, 1-based): chr17:14,192,202, C>T. VCF-style: chr17-14192202-C-T. GRCh37 (hg19) VCF-style: chr17-14095519-C-T.
Identifiers: ClinVar variation 321816 (VCV000321816.13), dbSNP rs370260574, ClinGen allele CA8402460.